The following is an entry in ClinVar:

ClinVar aggregate classification (germline): Uncertain significance. Review status: criteria provided, multiple submitters, no conflicts (2 of 4 stars). 2 submissions from 2 submitters: Uncertain significance (2). Last evaluated 2024-05-08.

Conditions:
Xanthinuria type II. Also called: Xanthine dehydrogenase and aldehyde oxidase combined deficiency of; XDH and AOX dual deficiency. Identifiers: Orphanet 3467, Orphanet 93602, MedGen C1863688, MONDO:0011346, OMIM 603592.
Hereditary xanthinuria type 1 (XAN1). Identifiers: Orphanet 3467, Orphanet 93601, MedGen C0268118, MONDO:0010209, OMIM 278300.

Allele frequency attached by ClinVar (database versions not stated): TOPMed 0.00003; gnomAD 0.00004; gnomAD exomes 0.00004; ExAC 0.00007.
gnomAD v4.1: 67 of 1,614,058 alleles (0.0042%); highest among the groups gnomAD compares: Middle Eastern, 0.016%; no homozygotes.

Submissions (2):

Fulgent Genetics
Classification: Uncertain significance for Hereditary xanthinuria type 1. Last evaluated: 2024-05-08. Review status: criteria provided, single submitter. Criteria: ACMG Guidelines, 2015. Collection method: clinical testing. Allele origin: germline.

Labcorp Genetics (formerly Invitae), Labcorp
Classification: Uncertain significance for Xanthinuria type II. Last evaluated: 2023-01-28. Review status: criteria provided, single submitter. Criteria: Invitae Variant Classification Sherloc (09022015). Collection method: clinical testing. Allele origin: germline.
Comment: This sequence change replaces threonine, which is neutral and polar, with methionine, which is neutral and non-polar, at codon 1078 of the XDH protein (p.Thr1078Met). In summary, the available evidence is currently insufficient to determine the role of this variant in disease. Therefore, it has been classified as a Variant of Uncertain Significance. Algorithms developed to predict the effect of missense changes on protein structure and function (SIFT, PolyPhen-2, Align-GVGD) all suggest that this variant is likely to be disruptive. This variant has not been reported in the literature in individuals affected with XDH-related conditions. This variant is present in population databases (rs748919252, gnomAD 0.02%).

NM_000379.4(XDH):c.3233C>T (p.Thr1078Met)

Gene: XDH (xanthine dehydrogenase; minus strand). Cytogenetic location: 2p23.1.
Variant type: single nucleotide variant.
Coding change: c.3233C>T on transcript NM_000379.4 (MANE Select); coding-DNA position 3233, C replaced by T.
Protein change: p.Thr1078Met; replaces threonine 1078 with methionine.
Molecular consequence: missense variant.
Genome position (GRCh38, 1-based): chr2:31,347,565, G>A on the plus strand (C>T on the coding strand, the complement: XDH is on the minus strand). VCF-style: chr2-31347565-G-A. GRCh37 (hg19) VCF-style: chr2-31570431-G-A.
Other names: short protein forms T1078M.
Identifiers: ClinVar variation 2912159 (VCV002912159.2), dbSNP rs748919252, ClinGen allele CA1598492.